The following is an entry in ClinVar:

ClinVar aggregate classification (germline): Uncertain significance (1 of 4 stars; one submission).

Submission:

Labcorp Genetics (formerly Invitae), Labcorp
Classification: Uncertain significance. Last evaluated: 2021-04-06. Review status: criteria provided, single submitter. Criteria: Invitae Variant Classification Sherloc (09022015). Collection method: clinical testing. Allele origin: germline.
Comment: In summary, the available evidence is currently insufficient to determine the role of this variant in disease. Therefore, it has been classified as a Variant of Uncertain Significance. Advanced modeling of protein sequence and biophysical properties (such as structural, functional, and spatial information, amino acid conservation, physicochemical variation, residue mobility, and thermodynamic stability) performed at Invitae indicates that this missense variant is not expected to disrupt COL2A1 protein function. This variant has not been reported in the literature in individuals with COL2A1-related conditions. This variant is not present in population databases (ExAC no frequency). This sequence change replaces threonine with alanine at codon 397 of the COL2A1 protein (p.Thr397Ala). The threonine residue is highly conserved and there is a small physicochemical difference between threonine and alanine.

NM_001844.5(COL2A1):c.1189A>G (p.Thr397Ala)

Gene: COL2A1 (collagen type II alpha 1 chain; minus strand). Cytogenetic location: 12q13.11.
Variant type: single nucleotide variant.
Coding change: c.1189A>G on transcript NM_001844.5 (MANE Select); coding-DNA position 1189, A replaced by G.
Protein change: p.Thr397Ala; replaces threonine 397 with alanine.
Molecular consequence: missense variant.
Genome position (GRCh38, 1-based): chr12:47,987,643, T>C on the plus strand (A>G on the coding strand, the complement: COL2A1 is on the minus strand). VCF-style: chr12-47987643-T-C. GRCh37 (hg19) VCF-style: chr12-48381426-T-C.
Other names: c.982A>G, p.Thr328Ala (NM_033150.3); short protein forms T328A, T397A.
Identifiers: ClinVar variation 1494135 (VCV001494135.8), dbSNP rs2136579217, ClinGen allele CA384554458.